The following is an entry in ClinVar:

ClinVar aggregate classification (germline): Conflicting classifications of pathogenicity. Review status: criteria provided, conflicting classifications (1 of 4 stars). 4 submissions from 4 submitters: Likely pathogenic (1); Uncertain significance (3). Last evaluated 2025-11-18.

Conditions:
LRP5-related disorder. Also called: LRP5-related condition.
Osteoporosis with pseudoglioma (OPPG). Also called: osteoporosis-pseudoglioma syndrome. Identifiers: Orphanet 2788, MedGen C0432252, MONDO:0009820, OMIM 259770.

gnomAD v4.1: 5 of 1,614,100 alleles (0.00031%); highest among the groups gnomAD compares: East Asian, 0.0045%; no homozygotes.

Submissions (4):

Labcorp Genetics (formerly Invitae), Labcorp
Classification: Uncertain significance. Last evaluated: 2025-11-18. Review status: criteria provided, single submitter. Criteria: Invitae Variant Classification Sherloc (09022015). Collection method: clinical testing. Allele origin: germline.
Comment: This sequence change replaces aspartic acid, which is acidic and polar, with asparagine, which is neutral and polar, at codon 116 of the LRP5 protein (p.Asp116Asn). This variant is present in population databases (no rsID available, gnomAD 0.006%). This missense change has been observed in individual(s) with osteoporosis-pseudoglioma syndrome (PMID: 29055141). ClinVar contains an entry for this variant (Variation ID: 3377644). Invitae Evidence Modeling of protein sequence and biophysical properties (such as structural, functional, and spatial information, amino acid conservation, physicochemical variation, residue mobility, and thermodynamic stability) indicates that this missense variant is expected to disrupt LRP5 protein function with a positive predictive value of 95%. In summary, the available evidence is currently insufficient to determine the role of this variant in disease. Therefore, it has been classified as a Variant of Uncertain Significance.

GeneDx
Classification: Uncertain significance. Last evaluated: 2024-07-09. Review status: criteria provided, single submitter. Criteria: GeneDx Variant Classification Process June 2021. Collection method: clinical testing. Allele origin: germline. Affected: yes.
Comment: In silico analysis supports that this missense variant has a deleterious effect on protein structure/function; This variant is associated with the following publications: (PMID: 29055141)

Neuberg Centre For Genomic Medicine, NCGM
Classification: Uncertain significance for Osteoporosis with pseudoglioma. Last evaluated: 2023-06-22. Review status: criteria provided, single submitter. Criteria: ACMG Guidelines, 2015. Collection method: clinical testing. Allele origin: germline. Inheritance: Autosomal recessive inheritance. Affected: yes.
Comment: The observed missense c.346G>A(p.Asp116Asn) variant in LRP5 gene has not been reported previously as a pathogenic variant nor as a benign variant, to our knowledge. This variant is reported with the allele frequency of 0.0008% in the gnomAD Exomes. The amino acid Asp at position 116 is changed to a Asn changing protein sequence and it might alter its composition and physico-chemical properties. The amino acid change p.Asp116Asn in LRP5 is predicted as conserved by GERP++ and PhyloP across 100 vertebrates. Multiple lines of computational evidence (Polyphen - Damaging, SIFT - Damaging, and MutationTaster - Disease causing) predict a damaging effect on protein structure and function for this variant. For these reasons, this variant has been classified as Uncertain Significance.

Blueprint Genetics
Classification: Likely pathogenic for LRP5-related disorders. Last evaluated: 2019-08-27. Review status: criteria provided, single submitter. Criteria: ACMG Guidelines, 2015. Collection method: clinical testing. Allele origin: germline. Affected: yes. Observed: 1 variant allele.

Literature cited by the submitters: PubMed 29055141 (cited by Labcorp Genetics (formerly Invitae), Labcorp).

NM_002335.4(LRP5):c.346G>A (p.Asp116Asn)

Gene: LRP5 (LDL receptor related protein 5; plus strand). Cytogenetic location: 11q13.2.
Variant type: single nucleotide variant.
Coding change: c.346G>A on transcript NM_002335.4 (MANE Select); coding-DNA position 346, G replaced by A.
Protein change: p.Asp116Asn; replaces aspartic acid 116 with asparagine.
Molecular consequence: missense variant. On other transcripts: 5 prime UTR variant (1).
Genome position (GRCh38, 1-based): chr11:68,348,101, G>A. VCF-style: chr11-68348101-G-A. GRCh37 (hg19) VCF-style: chr11-68115569-G-A.
Other names: c.-1420G>A (NM_001291902.2); c.346G>A (NM_002335.2); short protein forms D116N.
Identifiers: ClinVar variation 3377644 (VCV003377644.4).